The following is an entry in ClinVar:

NM_016151.4(TAOK2):c.3082G>T (p.Ala1028Ser)

Gene: TAOK2 (TAO kinase 2; plus strand). Cytogenetic location: 16p11.2.
Variant type: single nucleotide variant.
Coding change: c.3082G>T on transcript NM_016151.4 (MANE Select); coding-DNA position 3082, G replaced by T.
Protein change: p.Ala1028Ser; replaces alanine 1028 with serine.
Molecular consequence: missense variant. On other transcripts: intron variant (1).
Genome position (GRCh38, 1-based): chr16:29,987,354, G>T. VCF-style: chr16-29987354-G-T. GRCh37 (hg19) VCF-style: chr16-29998675-G-T.
Other names: c.2743G>T, p.Ala915Ser (NM_001252043.2); c.2232+850G>T (NM_004783.4); short protein forms A1028S, A915S.
Identifiers: ClinVar variation 4721186 (VCV004721186.1).
Genomic context (GRCh38, chr16:29,987,354, plus strand): 5'-ACAGCCCTGCACCTGCCCTCCAGTCTTTTCCTACTCCTGGCCCAGGGTACCGCACTGGGG[G>T]CCGTCCTGGGCCTGAGCTGGCGCCGAGGCCTCATGGGTGTTCCCCTGGGCCTTGGAGCTG-3'
Protein context (NP_057235.2, residues 1018-1038): LLLAQGTALG[Ala1028Ser]VLGLSWRRGL

ClinVar aggregate classification (germline): Uncertain significance (1 of 4 stars; one submission).

gnomAD v4.1: 2 of 1,576,854 alleles (0.00013%); highest among the groups gnomAD compares: Admixed American, 0.0018%; no homozygotes.

Submission:

Labcorp Genetics (formerly Invitae), Labcorp
Classification: Uncertain significance. Last evaluated: 2025-03-25. Review status: criteria provided, single submitter. Criteria: Invitae Variant Classification Sherloc (09022015). Collection method: clinical testing. Allele origin: germline.
Comment: This sequence change replaces alanine, which is neutral and non-polar, with serine, which is neutral and polar, at codon 1028 of the TAOK2 protein (p.Ala1028Ser). This variant is not present in population databases (gnomAD no frequency). This variant has not been reported in the literature in individuals affected with TAOK2-related conditions. An algorithm developed to predict the effect of missense changes on protein structure and function (PolyPhen-2) suggests that this variant is likely to be tolerated. In summary, the available evidence is currently insufficient to determine the role of this variant in disease. Therefore, it has been classified as a Variant of Uncertain Significance.